The following is an entry in ClinVar:

ClinVar aggregate classification (germline): Benign. Review status: criteria provided, multiple submitters, no conflicts (2 of 4 stars). 9 submissions from 8 submitters: Benign (6). 3 of the submissions do not count toward it. Last evaluated 2026-02-03.

Conditions:
Martsolf syndrome (MARTS). Also called: Congenital cataract with intellectual disability and hypogonadotropic hypogonadism syndrome. Identifiers: Orphanet 1387, MedGen C0796037, MONDO:0023910.
Warburg micro syndrome 2 (WARBM2). Also called: MICRO SYNDROME 2. Identifiers: Orphanet 2510, MedGen C3280214, MONDO:0013641, OMIM 614225.

Allele frequency attached by ClinVar (database versions not stated): 1000 Genomes Project 30x 0.05824; 1000 Genomes Project 0.06030; TOPMed 0.06474; gnomAD 0.06844 and 0.07052; gnomAD exomes 0.08590; ExAC 0.08945; ESP Exome Variant Server 0.06920.
gnomAD v4.1: 150,007 of 1,612,402 alleles (9.3%); highest among the groups gnomAD compares: South Asian, 13%; 7,578 homozygotes.

Submissions (9):

Labcorp Genetics (formerly Invitae), Labcorp
Classification: Benign for Martsolf syndrome; Warburg micro syndrome 2. Last evaluated: 2026-02-03. Review status: criteria provided, single submitter. Criteria: Invitae Variant Classification Sherloc (09022015). Collection method: clinical testing. Allele origin: germline.

Mayo Clinic Laboratories, Mayo Clinic
Classification: Benign. Last evaluated: 2022-03-24. Review status: criteria provided, single submitter. Criteria: ACMG Guidelines, 2015. Collection method: clinical testing. Allele origin: germline. Observed: 50 variant alleles.

Illumina Laboratory Services, Illumina
Classification: Benign for Martsolf syndrome 1. Last evaluated: 2018-01-13. Review status: criteria provided, single submitter. Criteria: ICSL Variant Classification Criteria 13 December 2019. Collection method: clinical testing. Allele origin: germline.
Comment: This variant was observed in the ICSL laboratory as part of a predisposition screen in an ostensibly healthy population. It had not been previously curated by ICSL or reported in the Human Gene Mutation Database (HGMD: prior to June 1st, 2018), and was therefore a candidate for classification through an automated scoring system. Utilizing variant allele frequency, disease prevalence and penetrance estimates, and inheritance mode, an automated score was calculated to assess if this variant is too frequent to cause the disease. Based on the score and internal cut-off values, a variant classified as benign is not then subjected to further curation. The score for this variant resulted in a classification of benign for this disease.

Illumina Laboratory Services, Illumina
Classification: Benign for Warburg micro syndrome 2. Last evaluated: 2018-01-13. Review status: criteria provided, single submitter. Criteria: ICSL Variant Classification Criteria 13 December 2019. Collection method: clinical testing. Allele origin: germline.
Comment: the same text as in the submission from Illumina Laboratory Services, Illumina above.

GeneDx
Classification: Benign. Last evaluated: 2014-03-31. Review status: criteria provided, single submitter. Criteria: GeneDx Variant Classification (06012015). Collection method: clinical testing. Allele origin: germline. Affected: yes.
Comment: This variant is considered likely benign or benign based on one or more of the following criteria: it is a conservative change, it occurs at a poorly conserved position in the protein, it is predicted to be benign by multiple in silico algorithms, and/or has population frequency not consistent with disease.

Breakthrough Genomics
Classification: Benign. Review status: criteria provided, single submitter. Criteria: ACMG Guidelines, 2015. Collection method: not provided. Allele origin: germline. Inheritance: Autosomal recessive inheritance. Affected: yes.

Clinical Genetics DNA and cytogenetics Diagnostics Lab, Erasmus MC, Erasmus Medical Center
Classification: Benign. Review status: no assertion criteria provided. Collection method: clinical testing. Allele origin: germline. Affected: yes. Study: VKGL Data-share Consensus. Not counted in ClinVar's aggregate classification.

Genetic Services Laboratory, University of Chicago
Classification: Likely benign for AllHighlyPenetrant. Review status: no assertion criteria provided. Collection method: clinical testing. Allele origin: germline. Inheritance: Autosomal recessive inheritance. Not counted in ClinVar's aggregate classification.
Comment: Likely benign based on allele frequency in 1000 Genomes Project or ESP global frequency and its presence in a patient with a rare or unrelated disease phenotype. NOT Sanger confirmed.

Joint Genome Diagnostic Labs from Nijmegen and Maastricht, Radboudumc and MUMC+
Classification: Benign. Review status: no assertion criteria provided. Collection method: clinical testing. Allele origin: germline. Affected: yes. Study: VKGL Data-share Consensus. Not counted in ClinVar's aggregate classification.

NM_012414.4(RAB3GAP2):c.3275G>C (p.Ser1092Thr)

Gene: RAB3GAP2 (RAB3 GTPase activating non-catalytic protein subunit 2; minus strand). Cytogenetic location: 1q41.
Variant type: single nucleotide variant.
Coding change: c.3275G>C on transcript NM_012414.4 (MANE Select); coding-DNA position 3275, G replaced by C.
Protein change: p.Ser1092Thr; replaces serine 1092 with threonine.
Molecular consequence: missense variant.
Genome position (GRCh38, 1-based): chr1:220,157,863, C>G on the plus strand (G>C on the coding strand, the complement: RAB3GAP2 is on the minus strand). VCF-style: chr1-220157863-C-G. GRCh37 (hg19) VCF-style: chr1-220331205-C-G.
Other names: p.S1092T:AGT>ACT; short protein forms S1092T.
Identifiers: ClinVar variation 130079 (VCV000130079.24), dbSNP rs2289189, ClinGen allele CA154864.